The following is an entry in ClinVar:

NM_025114.4(CEP290):c.2217+2T>C

Gene: CEP290 (centrosomal protein 290; minus strand). Cytogenetic location: 12q21.32.
Variant type: single nucleotide variant.
Coding change: c.2217+2T>C on transcript NM_025114.4 (MANE Select); the canonical splice donor site of the intron after coding-DNA position 2217, T replaced by C.
Molecular consequence: splice donor variant.
Genome position (GRCh38, 1-based): chr12:88,111,692, A>G on the plus strand (T>C on the coding strand, the complement: CEP290 is on the minus strand). VCF-style: chr12-88111692-A-G. GRCh37 (hg19) VCF-style: chr12-88505469-A-G.
Identifiers: ClinVar variation 1028871 (VCV001028871.7), dbSNP rs2038702746, ClinGen allele CA385974764.

ClinVar aggregate classification (germline): Likely pathogenic. Review status: criteria provided, multiple submitters, no conflicts (2 of 4 stars). 2 submissions from 2 submitters: Likely pathogenic (2). Last evaluated 2022-01-05.

Conditions:
Joubert syndrome. Also called: Familial aplasia of the vermis; CEREBELLOPARENCHYMAL DISORDER IV; JOUBERT-BOLTSHAUSER SYNDROME. Identifiers: Orphanet 475, MedGen C5979921, MONDO:0018772.
Meckel-Gruber syndrome. Also called: Dysencephalia splachnocystica; DYSENCEPHALIA SPLANCHNOCYSTICA; GRUBER SYNDROME. Identifiers: Orphanet 564, MedGen C0265215, MONDO:0018921.
Nephronophthisis. Also called: Juvenile Nephronophthisis. Identifiers: Orphanet 655, MedGen C0687120, MONDO:0019005, HP:0000090.
Bardet-Biedl syndrome 14 (BBS14). Identifiers: Orphanet 110, MedGen C2673874, MONDO:0014442, OMIM 615991.

Submissions (2):

Labcorp Genetics (formerly Invitae), Labcorp
Classification: Likely pathogenic for Joubert syndrome; Meckel-Gruber syndrome; Nephronophthisis. Last evaluated: 2022-01-05. Review status: criteria provided, single submitter. Criteria: Invitae Variant Classification Sherloc (09022015). Collection method: clinical testing. Allele origin: germline.
Comment: This variant has not been reported in the literature in individuals affected with CEP290-related conditions. In summary, the currently available evidence indicates that the variant is pathogenic, but additional data are needed to prove that conclusively. Therefore, this variant has been classified as Likely Pathogenic. Algorithms developed to predict the effect of sequence changes on RNA splicing suggest that this variant may disrupt the consensus splice site. ClinVar contains an entry for this variant (Variation ID: 1028871). This variant is not present in population databases (gnomAD no frequency). This sequence change affects a donor splice site in intron 21 of the CEP290 gene. It is expected to disrupt RNA splicing. Variants that disrupt the donor or acceptor splice site typically lead to a loss of protein function (PMID: 16199547), and loss-of-function variants in CEP290 are known to be pathogenic (PMID: 16909394, 17345604, 20690115).

Baylor Genetics
Classification: Likely pathogenic for Bardet-Biedl syndrome 14. Last evaluated: 2019-10-31. Review status: criteria provided, single submitter. Criteria: ACMG Guidelines, 2015. Collection method: clinical testing. Allele origin: unknown. Affected: yes.
Comment: This variant was determined to be likely pathogenic according to ACMG Guidelines, 2015 [PMID:25741868].

Literature cited by the submitters: PubMed 16199547 (cited by Labcorp Genetics (formerly Invitae), Labcorp); PubMed 16909394 (cited by Labcorp Genetics (formerly Invitae), Labcorp); PubMed 17345604 (cited by Labcorp Genetics (formerly Invitae), Labcorp); PubMed 20690115 (cited by Labcorp Genetics (formerly Invitae), Labcorp).